The following is an entry in ClinVar:

ClinVar aggregate classification (germline): Uncertain significance (1 of 4 stars; one submission).

Conditions:
Hermansky-Pudlak syndrome 2 (HPS2). Also called: Platelet defects and oculocutaneous albinism. Identifiers: Orphanet 183678, Orphanet 79430, MedGen C1842362, MONDO:0011997, OMIM 608233.

Allele frequency attached by ClinVar (database versions not stated): gnomAD exomes below 0.00001; ExAC 0.00001; gnomAD 0.00001; TOPMed 0.00001.
gnomAD v4.1: 60 of 1,614,130 alleles (0.0037%); highest among the groups gnomAD compares: Non-Finnish European, 0.0047%; no homozygotes.

Submission:

Labcorp Genetics (formerly Invitae), Labcorp
Classification: Uncertain significance for Hermansky-Pudlak syndrome 2. Last evaluated: 2018-11-28. Review status: criteria provided, single submitter. Criteria: Invitae Variant Classification Sherloc (09022015). Collection method: clinical testing. Allele origin: germline.
Comment: This variant has not been reported in the literature in individuals with AP3B1-related conditions. This variant is present in population databases (rs773073407, ExAC 0.01%). This sequence change replaces alanine with serine at codon 33 of the AP3B1 protein (p.Ala33Ser). The alanine residue is moderately conserved and there is a moderate physicochemical difference between alanine and serine. Algorithms developed to predict the effect of missense changes on protein structure and function (SIFT, PolyPhen-2, Align-GVGD) all suggest that this variant is likely to be tolerated, but these predictions have not been confirmed by published functional studies and their clinical significance is uncertain. In summary, the available evidence is currently insufficient to determine the role of this variant in disease. Therefore, it has been classified as a Variant of Uncertain Significance.

NM_003664.5(AP3B1):c.97G>T (p.Ala33Ser)

Gene: AP3B1 (adaptor related protein complex 3 subunit beta 1; minus strand). Cytogenetic location: 5q14.1.
Variant type: single nucleotide variant.
Coding change: c.97G>T on transcript NM_003664.5 (MANE Select); coding-DNA position 97, G replaced by T.
Protein change: p.Ala33Ser; replaces alanine 33 with serine.
Molecular consequence: missense variant. On other transcripts: 5 prime UTR variant (1).
Genome position (GRCh38, 1-based): chr5:78,294,483, C>A on the plus strand (G>T on the coding strand, the complement: AP3B1 is on the minus strand). VCF-style: chr5-78294483-C-A. GRCh37 (hg19) VCF-style: chr5-77590307-C-A.
Other names: c.-63G>T (NM_001271769.2); short protein forms A33S.
Identifiers: ClinVar variation 658491 (VCV000658491.7), dbSNP rs773073407, ClinGen allele CA3317472.